The following is an entry in ClinVar:

ClinVar aggregate classification (germline): Likely pathogenic. Review status: criteria provided, single submitter (1 of 4 stars). 2 submissions from 2 submitters: Likely pathogenic (1). 1 of the submissions does not count toward it. Last evaluated 2026-01-29.

Conditions:
Ehlers-Danlos syndrome, type 4 (EDSVASC). Also called: Ehlers-Danlos syndrome vascular type; Ehlers Danlos syndrome, ecchymotic type; Ehlers Danlos syndrome, arterial type; Ehlers Danlos syndrome, Sack-Barabas type; Ehlers-Danlos Syndrome Type IV. Identifiers: Orphanet 286, MedGen C0268338, MONDO:0017314, OMIM 130050.

Submissions (2):

Women's Health and Genetics/Laboratory Corporation of America, LabCorp
Classification: Likely pathogenic for Ehlers-Danlos syndrome, type 4. Last evaluated: 2026-01-29. Review status: criteria provided, single submitter. Criteria: LabCorp Variant Classification Summary - May 2015. Collection method: clinical testing. Allele origin: germline.
Comment: Variant summary: COL3A1 c.1763_1769delinsTAAG (p.Gly588_Pro590delinsValSer) results in an in-frame deletion-insertion. This variant disrupts the triple helix domain of COL3A1. Glycine residues within the Gly-Xaa-Yaa repeats of the triple helix domain are required for the structure and stability of fibrillar collagens (PMID: 7695699, 8218237, 19344236). The variant was absent in 251316 control chromosomes. c.1763_1769delinsTAAG has been observed in individual(s) affected with Ehlers-Danlos Syndrome, Vascular Type (Morissette_2014, Shalhub_2018, Pepin_2014). These data indicate that the variant may be associated with disease. To our knowledge, no experimental evidence demonstrating an impact on protein function has been reported. ClinVar contains an entry for this variant (Variation ID: 101208). The following publications have been ascertained in the context of this evaluation (PMID: 24399159, 30793832, 24922459). Based on the evidence outlined above, the variant was classified as likely pathogenic for Ehlers-Danlos Syndrome, Vascular Type and Polymicrogyria with or without vascular-type Ehlers-Danlos syndrome.

Collagen Diagnostic Laboratory, University of Washington
Classification: Pathogenic for Ehlers-Danlos syndrome, type 4. Review status: no assertion criteria provided. Collection method: clinical testing. Allele origin: germline. Affected: yes. Not counted in ClinVar's aggregate classification.

Literature cited by the submitters: PubMed 24399159 (cited by Women's Health and Genetics/Laboratory Corporation of America, LabCorp); PubMed 24922459 (cited by Women's Health and Genetics/Laboratory Corporation of America, LabCorp); PubMed 30793832 (cited by Women's Health and Genetics/Laboratory Corporation of America, LabCorp).

NM_000090.4(COL3A1):c.1763_1769delinsTAAG

Gene: COL3A1 (collagen type III alpha 1 chain; plus strand). Cytogenetic location: 2q32.2.
Variant type: Indel.
Coding change: c.1763_1769delinsTAAG on transcript NM_000090.4 (MANE Select); coding-DNA positions 1763 to 1769, GTGCTCC replaced by TAAG.
Genome position (GRCh38, 1-based): chr2:188,997,166-188,997,172, GTGCTCC replaced by TAAG. VCF-style: chr2-188997166-GTGCTCC-TAAG. GRCh37 (hg19) VCF-style: chr2-189861892-GTGCTCC-TAAG.
Other names: c.1763_1769delinsTAAG, p.Gly588_Pro590delinsValSer (LRG_3t1).
Identifiers: ClinVar variation 101208 (VCV000101208.3), dbSNP rs587779510, ClinGen allele CA004495.
Genomic context (GRCh38, chr2:188,997,166, plus strand): 5'-ATAATATGATTAGTTATTGCCCTTTGAGGATTAGTAAATACCGACCACTTCTTCTTTAGG[GTGCTCC>TAAG]TGGTAAGAATGGAGAACGAGGTGGCCCTGGAGGACCTGGCCCTCAGGTACGTAGCTTTCC-3'